The following is an entry in ClinVar:

NM_001005273.3(CHD3):c.2749A>G (p.Asn917Asp)

Gene: CHD3 (chromodomain helicase DNA binding protein 3; plus strand). Cytogenetic location: 17p13.1.
Variant type: single nucleotide variant.
Coding change: c.2749A>G on transcript NM_001005273.3 (MANE Select); coding-DNA position 2749, A replaced by G.
Protein change: p.Asn917Asp; replaces asparagine 917 with aspartic acid.
Molecular consequence: missense variant.
Genome position (GRCh38, 1-based): chr17:7,900,356, A>G. VCF-style: chr17-7900356-A-G. GRCh37 (hg19) VCF-style: chr17-7803674-A-G.
Other names: c.2926A>G, p.Asn976Asp (NM_001005271.3); c.2749A>G, p.Asn917Asp (NM_005852.4); short protein forms N917D, N976D.
Identifiers: ClinVar variation 3254729 (VCV003254729.1), dbSNP rs2544947582.

ClinVar aggregate classification (germline): Pathogenic (1 of 4 stars; one submission).

Conditions:
Snijders Blok-Campeau syndrome. Also called: INTELLECTUAL DEVELOPMENTAL DISORDER WITH MACROCEPHALY, SPEECH DELAY, AND DYSMORPHIC FACIES. Identifiers: Orphanet 599082, MedGen C4748701, MONDO:0032600, OMIM 618205.

Submission:

Victorian Clinical Genetics Services, Murdoch Childrens Research Institute
Classification: Pathogenic for Snijders Blok-Campeau syndrome. Last evaluated: 2023-07-17. Review status: criteria provided, single submitter. Criteria: ACMG Guidelines, 2015. Collection method: clinical testing. Allele origin: germline. Inheritance: Autosomal dominant inheritance. Affected: yes.
Comment: Based on the classification scheme VCGS_Germline_v1.3.4, this variant is classified as Pathogenic. Following criteria are met: 0103 - Loss of function and gain of function are known mechanisms of disease in this gene and are associated with Snijders Blok-Campeau syndrome (MIM#618205), however no clear genotype-phenotype correlations have been identified to determine how both overactivity and underactivity of CHD3 can result in the same phenotype (PMID: 32483341). (I) 0107 - This gene is associated with autosomal dominant disease. (I) 0115 - Variants in this gene are known to have variable expressivity with inheritance from mildly affected or unaffected parents reported (PMID 35346573). (I) 0200 - Variant is predicted to result in a missense amino acid change from asparagine to aspartic acid. (I) 0251 - This variant is heterozygous. (I) 0301 - Variant is absent from gnomAD (both v2 and v3). (SP) 0501 - Missense variant consistently predicted to be damaging by multiple in silico tools or highly conserved with a major amino acid change. (SP) 0603 - Missense variant in a region that is highly intolerant to missense variation (high constraint region in DECIPHER). (SP) 0704 - Another missense variant comparable to the one identified in this case has limited previous evidence for pathogenicity. This alternative change (p.(Asn917Tyr)) has been reported as de novo in an individual with macrocephaly, dysmorphic features, congenital heart disease and intellectual disability (PMID: 32483341). (SP) 0807 - This variant has no previous evidence of pathogenicity. (I) 0905 - No published segregation evidence has been identified for this variant. (I) 1007 - No published functional evidence has been identified for this variant. (SP) Legend: (SP) - Supporting pathogenic, (I) - Information, (SB) - Supporting benign

Literature cited by the submitters: PubMed 32483341; PubMed 35346573.